The following is an entry in ClinVar:

NM_005257.6(GATA6):c.227G>A (p.Arg76His)

Gene: GATA6 (GATA binding protein 6; plus strand). Cytogenetic location: 18q11.2.
Variant type: single nucleotide variant.
Coding change: c.227G>A on transcript NM_005257.6 (MANE Select); coding-DNA position 227, G replaced by A.
Protein change: p.Arg76His; replaces arginine 76 with histidine.
Molecular consequence: missense variant.
Genome position (GRCh38, 1-based): chr18:22,171,371, G>A. VCF-style: chr18-22171371-G-A. GRCh37 (hg19) VCF-style: chr18-19751332-G-A.
Other names: short protein forms R76H.
Identifiers: ClinVar variation 4736464 (VCV004736464.1).

ClinVar aggregate classification (germline): Uncertain significance (1 of 4 stars; one submission).

Conditions:
Atrioventricular septal defect 5 (AVSD5). Identifiers: MedGen C3280939, MONDO:0013769, OMIM 614474.

Submission:

Labcorp Genetics (formerly Invitae), Labcorp
Classification: Uncertain significance for Atrioventricular septal defect 5. Last evaluated: 2026-01-28. Review status: criteria provided, single submitter. Criteria: Invitae Variant Classification Sherloc (09022015). Collection method: clinical testing. Allele origin: germline.
Comment: This sequence change replaces arginine, which is basic and polar, with histidine, which is basic and polar, at codon 76 of the GATA6 protein (p.Arg76His). This variant is not present in population databases (gnomAD no frequency). This variant has not been reported in the literature in individuals affected with GATA6-related conditions. An algorithm developed to predict the effect of missense changes on protein structure and function (PolyPhen-2) suggests that this variant is likely to be tolerated. In summary, the available evidence is currently insufficient to determine the role of this variant in disease. Therefore, it has been classified as a Variant of Uncertain Significance.